The following is an entry in ClinVar:

NM_000426.4(LAMA2):c.7436T>G (p.Leu2479Trp)

Gene: LAMA2 (laminin subunit alpha 2; plus strand). Cytogenetic location: 6q22.33.
Variant type: single nucleotide variant.
Coding change: c.7436T>G on transcript NM_000426.4 (MANE Select); coding-DNA position 7436, T replaced by G.
Protein change: p.Leu2479Trp; replaces leucine 2479 with tryptophan.
Molecular consequence: missense variant.
Genome position (GRCh38, 1-based): chr6:129,473,349, T>G. VCF-style: chr6-129473349-T-G. GRCh37 (hg19) VCF-style: chr6-129794494-T-G.
Other names: c.7436T>G, p.Leu2479Trp (NM_001079823.2); short protein forms L2479W.
Identifiers: ClinVar variation 1363941 (VCV001363941.8), dbSNP rs754842981, ClinGen allele CA3994544.

ClinVar aggregate classification (germline): Uncertain significance (1 of 4 stars; one submission).

Conditions:
LAMA2-related muscular dystrophy (LAMA2-RD). Also called: Laminin alpha 2-related dystrophy. Identifiers: MedGen C5679788, MONDO:0100228.

Allele frequency attached by ClinVar (database versions not stated): gnomAD exomes below 0.00001; ExAC 0.00001.
gnomAD v4.1: 2 of 1,612,102 alleles (0.00012%); highest among the groups gnomAD compares: Non-Finnish European, 0.00017%; no homozygotes.

Submission:

Labcorp Genetics (formerly Invitae), Labcorp
Classification: Uncertain significance for LAMA2-related muscular dystrophy. Last evaluated: 2022-11-28. Review status: criteria provided, single submitter. Criteria: Invitae Variant Classification Sherloc (09022015). Collection method: clinical testing. Allele origin: germline.
Comment: In summary, the available evidence is currently insufficient to determine the role of this variant in disease. Therefore, it has been classified as a Variant of Uncertain Significance. Advanced modeling of protein sequence and biophysical properties (such as structural, functional, and spatial information, amino acid conservation, physicochemical variation, residue mobility, and thermodynamic stability) performed at Invitae indicates that this missense variant is not expected to disrupt LAMA2 protein function. ClinVar contains an entry for this variant (Variation ID: 1363941). This variant has not been reported in the literature in individuals affected with LAMA2-related conditions. This variant is present in population databases (rs754842981, gnomAD 0.0009%). This sequence change replaces leucine, which is neutral and non-polar, with tryptophan, which is neutral and slightly polar, at codon 2479 of the LAMA2 protein (p.Leu2479Trp).